The following is an entry in ClinVar:

ClinVar aggregate classification (germline): Uncertain significance. Review status: criteria provided, single submitter (1 of 4 stars). 2 submissions from 2 submitters: Uncertain significance (1). 1 of the submissions does not count toward it. Last evaluated 2022-04-29.

Conditions:
Fanconi anemia (FA). Also called: Fanconi's anemia. Identifiers: Orphanet 84, MedGen C0015625, MeSH D005199, MONDO:0019391.
FANCD2-related disorder. Also called: FANCD2-related condition.

Allele frequency attached by ClinVar (database versions not stated): gnomAD exomes 0.00001; TOPMed 0.00001.
gnomAD v4.1: 7 of 1,583,110 alleles (0.00044%); highest among the groups gnomAD compares: East Asian, 0.011%; no homozygotes.

Submissions (2):

Labcorp Genetics (formerly Invitae), Labcorp
Classification: Uncertain significance for Fanconi anemia. Last evaluated: 2022-04-29. Review status: criteria provided, single submitter. Criteria: Invitae Variant Classification Sherloc (09022015). Collection method: clinical testing. Allele origin: germline.
Comment: This sequence change falls in intron 34 of the FANCD2 gene. It does not directly change the encoded amino acid sequence of the FANCD2 protein. It affects a nucleotide within the consensus splice site. This variant is present in population databases (no rsID available, gnomAD 0.02%). This variant has not been reported in the literature in individuals affected with FANCD2-related conditions. Variants that disrupt the consensus splice site are a relatively common cause of aberrant splicing (PMID: 17576681, 9536098). Algorithms developed to predict the effect of sequence changes on RNA splicing suggest that this variant is not likely to affect RNA splicing. In summary, the available evidence is currently insufficient to determine the role of this variant in disease. Therefore, it has been classified as a Variant of Uncertain Significance.

PreventionGenetics, part of Exact Sciences
Classification: Likely benign for FANCD2-related condition. Last evaluated: 2019-06-11. Review status: no assertion criteria provided. Collection method: clinical testing. Allele origin: germline. Not counted in ClinVar's aggregate classification.
Comment: This variant is classified as likely benign based on ACMG/AMP sequence variant interpretation guidelines (Richards et al. 2015 PMID: 25741868, with internal and published modifications).

Literature cited by the submitters: PubMed 17576681 (cited by Labcorp Genetics (formerly Invitae), Labcorp); PubMed 9536098 (cited by Labcorp Genetics (formerly Invitae), Labcorp).

NM_001018115.3(FANCD2):c.3466+6G>A

Genes: FANCD2 (FA complementation group D2; plus strand), FANCD2OS (FANCD2 opposite strand; minus strand). Cytogenetic location: 3p25.3.
Variant type: single nucleotide variant.
Coding change: c.3466+6G>A on transcript NM_001018115.3 (MANE Select); 6 bases into the intron after coding-DNA position 3466, G replaced by A.
Molecular consequence: intron variant.
Genome position (GRCh38, 1-based): chr3:10,087,270, G>A. VCF-style: chr3-10087270-G-A. GRCh37 (hg19) VCF-style: chr3-10128954-G-A.
Other names: c.3466+6G>A (NM_001319984.2, NM_033084.6, NM_001374254.1); c.3355+6G>A (NM_001374253.1); c.*44-5739C>T (NM_173472.2).
Identifiers: ClinVar variation 1921902 (VCV001921902.4), dbSNP rs1236535224, ClinGen allele CA540879946.
Genomic context (GRCh38, chr3:10,087,270, plus strand): 5'-TTGATGGTTATTTTGGAGAAATCAACAGCTTCTGCTCAGAACAAAGAAAAAATTGGTGAT[G>A]GGCCTAGATCCTTTTTTTTTTTTTTTTTTTAATGAATAGGACTAATATCTCACACTTACA-3'